The following is an entry in ClinVar:

ClinVar aggregate classification (germline): Benign. Review status: criteria provided, multiple submitters, no conflicts (2 of 4 stars). 3 submissions from 3 submitters: Benign (3). Last evaluated 2021-07-14.

Conditions:
Catecholaminergic polymorphic ventricular tachycardia 2. Also called: CASQ2-Related Catecholaminergic Polymorphic Ventricular Tachycardia; VENTRICULAR TACHYCARDIA, STRESS-INDUCED POLYMORPHIC 2. Identifiers: Orphanet 3286, MedGen C2677794, MONDO:0012762, OMIM 611938.

Allele frequency attached by ClinVar (database versions not stated): gnomAD exomes 0.56069; gnomAD 0.58397 and 0.58527; TOPMed 0.59279; 1000 Genomes Project 30x 0.62804; 1000 Genomes Project 0.63059.
gnomAD v4.1: 501,421 of 886,898 alleles (57%); highest among the groups gnomAD compares: East Asian, 67%; 143,218 homozygotes.

Submissions (3):

Genome-Nilou Lab
Classification: Benign for Catecholaminergic polymorphic ventricular tachycardia 2. Last evaluated: 2021-07-14. Review status: criteria provided, single submitter. Criteria: ACMG Guidelines, 2015. Collection method: clinical testing. Allele origin: germline. Affected: no.

GeneDx
Classification: Benign. Last evaluated: 2018-06-18. Review status: criteria provided, single submitter. Criteria: GeneDx Variant Classification (06012015). Collection method: clinical testing. Allele origin: germline. Affected: yes.
Comment: This variant is considered likely benign or benign based on one or more of the following criteria: it is a conservative change, it occurs at a poorly conserved position in the protein, it is predicted to be benign by multiple in silico algorithms, and/or has population frequency not consistent with disease.

Breakthrough Genomics
Classification: Benign. Review status: criteria provided, single submitter. Criteria: ACMG Guidelines, 2015. Collection method: not provided. Allele origin: germline. Inheritance: Autosomal recessive inheritance. Affected: yes.

NM_001232.4(CASQ2):c.784-89C>T

Gene: CASQ2 (calsequestrin 2; minus strand). Cytogenetic location: 1p13.1.
Variant type: single nucleotide variant.
Coding change: c.784-89C>T on transcript NM_001232.4 (MANE Select); 89 bases into the intron before coding-DNA position 784, C replaced by T.
Molecular consequence: intron variant.
Genome position (GRCh38, 1-based): chr1:115,717,983, G>A on the plus strand (C>T on the coding strand, the complement: CASQ2 is on the minus strand). VCF-style: chr1-115717983-G-A. GRCh37 (hg19) VCF-style: chr1-116260604-G-A.
Identifiers: ClinVar variation 672065 (VCV000672065.5), dbSNP rs2997742, ClinGen allele CA10737387.